The following is an entry in ClinVar:

NM_003482.4(KMT2D):c.4418+6del

Gene: KMT2D (lysine methyltransferase 2D; minus strand). Cytogenetic location: 12q13.12.
Variant type: Deletion.
Coding change: c.4418+6del on transcript NM_003482.4 (MANE Select); 6 bases into the intron after coding-DNA position 4418, one base deleted (G; older notation c.4418+6delG).
Molecular consequence: intron variant.
Genome position (GRCh38, 1-based): chr12:49,046,603, C deleted on the plus strand (G on the coding strand, the reverse complement: KMT2D is on the minus strand); the first of 2 consecutive C bases (chr12:49,046,603-49,046,604); deleting either gives the same sequence. VCF-style (leftmost placement, unchanged base first): chr12-49046602-TC-T. GRCh37 (hg19) VCF-style: chr12-49440385-TC-T.
Identifiers: ClinVar variation 3713417 (VCV003713417.2).

ClinVar aggregate classification (germline): Uncertain significance (1 of 4 stars; one submission).

Conditions:
Kabuki syndrome. Also called: NIIKAWA-KUROKI SYNDROME; Kabuki make-up syndrome. Identifiers: Orphanet 2322, MedGen C0796004, MONDO:0016512.

Submission:

Labcorp Genetics (formerly Invitae), Labcorp
Classification: Uncertain significance for Kabuki syndrome. Last evaluated: 2024-03-09. Review status: criteria provided, single submitter. Criteria: Invitae Variant Classification Sherloc (09022015). Collection method: clinical testing. Allele origin: germline.
Comment: This sequence change falls in intron 15 of the KMT2D gene. It does not directly change the encoded amino acid sequence of the KMT2D protein. It affects a nucleotide within the consensus splice site. This variant is present in population databases (no rsID available, gnomAD 0.007%). This variant has not been reported in the literature in individuals affected with KMT2D-related conditions. Variants that disrupt the consensus splice site are a relatively common cause of aberrant splicing (PMID: 17576681, 9536098). Algorithms developed to predict the effect of sequence changes on RNA splicing suggest that this variant is not likely to affect RNA splicing. In summary, the available evidence is currently insufficient to determine the role of this variant in disease. Therefore, it has been classified as a Variant of Uncertain Significance.

Literature cited by the submitters: PubMed 17576681; PubMed 9536098.